The following is an entry in ClinVar:

NM_000523.4(HOXD13):c.167G>A (p.Arg56Gln)

Gene: HOXD13 (homeobox D13; plus strand). Cytogenetic location: 2q31.1.
Variant type: single nucleotide variant.
Coding change: c.167G>A on transcript NM_000523.4 (MANE Select); coding-DNA position 167, G replaced by A.
Protein change: p.Arg56Gln; replaces arginine 56 with glutamine.
Molecular consequence: missense variant.
Genome position (GRCh38, 1-based): chr2:176,093,057, G>A. VCF-style: chr2-176093057-G-A. GRCh37 (hg19) VCF-style: chr2-176957785-G-A.
Other names: short protein forms R56Q.
Identifiers: ClinVar variation 1403877 (VCV001403877.8), dbSNP rs1689347619, ClinGen allele CA349352218.
Genomic context (GRCh38, chr2:176,093,057, plus strand): 5'-CGTCAGGCCAGTGCCGCGGCTTTCTCTCCGCGCCTGTGTTCGCCGGGACGCATTCGGGGC[G>A]GGCGGCGGCGGCGGCAGCGGCGGCTGCGGCGGCGGCGGCGGCAGCCTCCGGCTTTGCGTA-3'
Protein context (NP_000514.2, residues 46-66): APVFAGTHSG[Arg56Gln]AAAAAAAAAA

ClinVar aggregate classification (germline): Uncertain significance (1 of 4 stars; one submission).

Allele frequency attached by ClinVar (database versions not stated): TOPMed below 0.00001.
gnomAD v4.1: 10 of 1,369,912 alleles (0.00073%); highest among the groups gnomAD compares: East Asian, 0.03%; no homozygotes.

Submission:

Labcorp Genetics (formerly Invitae), Labcorp
Classification: Uncertain significance. Last evaluated: 2023-08-04. Review status: criteria provided, single submitter. Criteria: Invitae Variant Classification Sherloc (09022015). Collection method: clinical testing. Allele origin: germline.
Comment: In summary, the available evidence is currently insufficient to determine the role of this variant in disease. Therefore, it has been classified as a Variant of Uncertain Significance. An algorithm developed to predict the effect of missense changes on protein structure and function (PolyPhen-2) suggests that this variant is likely to be tolerated. ClinVar contains an entry for this variant (Variation ID: 1403877). This variant is also known as Arg48Gln. This missense change has been observed in individual(s) with synpolydactyly (PMID: 18399101). This variant is not present in population databases (gnomAD no frequency). This sequence change replaces arginine, which is basic and polar, with glutamine, which is neutral and polar, at codon 56 of the HOXD13 protein (p.Arg56Gln).

Literature cited by the submitters: PubMed 18399101.